The following is an entry in ClinVar:

NM_000218.3(KCNQ1):c.479A>T (p.Glu160Val)

Gene: KCNQ1 (potassium voltage-gated channel subfamily Q member 1; plus strand). Cytogenetic location: 11p15.5.
Variant type: single nucleotide variant.
Coding change: c.479A>T on transcript NM_000218.3 (MANE Select); coding-DNA position 479, A replaced by T.
Protein change: p.Glu160Val; replaces glutamic acid 160 with valine.
Molecular consequence: missense variant.
Genome position (GRCh38, 1-based): chr11:2,570,629, A>T. VCF-style: chr11-2570629-A-T. GRCh37 (hg19) VCF-style: chr11-2591859-A-T.
Other names: c.479A>T (LRG_287t1); c.479A>T, p.Glu160Val (NM_001406836.1); c.209A>T, p.Glu70Val (NM_001406837.1); c.98A>T, p.Glu33Val (NM_181798.2); short protein forms E160V, E33V, E70V.
Identifiers: ClinVar variation 67076 (VCV000067076.3), dbSNP rs199472691, ClinGen allele CA007216.

ClinVar aggregate classification (germline): not provided (0 of 4 stars; one submission).

Conditions:
Familial long QT syndrome (RWS). Also called: Congenital long QT syndrome; Romano-Ward syndrome; VENTRICULAR FIBRILLATION WITH PROLONGED QT INTERVAL. Identifiers: Orphanet 768, MedGen C1141890, MONDO:0019171.

Allele frequency attached by ClinVar (database versions not stated): gnomAD exomes below 0.00001.
gnomAD v4.1: 1 of 1,612,534 alleles (0.000062%); highest among the groups gnomAD compares: East Asian, 0.0022%; no homozygotes.

Submission:

Cardiovascular Biomedical Research Unit, Royal Brompton & Harefield NHS Foundation Trust
No classification provided. Condition: Familial long QT syndrome. Review status: no classification provided. Collection method: literature only. Allele origin: germline.
Comment: This variant has been reported as associated with Long QT syndrome in the following publications (PMID:19716085). This is a literature report, and does not necessarily reflect the clinical interpretation of the Imperial College / Royal Brompton Cardiovascular Genetics laboratory.

Literature cited by the submitters: PubMed 19716085; PubMed 22581653.